The following is an entry in ClinVar:

NM_006269.2(RP1):c.1115G>A (p.Arg372Lys)

Gene: RP1 (RP1 axonemal microtubule associated; plus strand). Cytogenetic location: 8q12.1.
Variant type: single nucleotide variant.
Coding change: c.1115G>A on transcript NM_006269.2 (MANE Select); coding-DNA position 1115, G replaced by A.
Protein change: p.Arg372Lys; replaces arginine 372 with lysine.
Molecular consequence: missense variant. On other transcripts: intron variant (1).
Genome position (GRCh38, 1-based): chr8:54,624,997, G>A. VCF-style: chr8-54624997-G-A. GRCh37 (hg19) VCF-style: chr8-55537557-G-A.
Other names: c.787+2709G>A (NM_001375654.1); short protein forms R372K.
Identifiers: ClinVar variation 4752080 (VCV004752080.1).

ClinVar aggregate classification (germline): Uncertain significance (1 of 4 stars; one submission).

gnomAD v4.1: 28 of 1,614,082 alleles (0.0017%); highest among the groups gnomAD compares: Non-Finnish European, 0.0023%; no homozygotes.

Submission:

Labcorp Genetics (formerly Invitae), Labcorp
Classification: Uncertain significance. Last evaluated: 2025-10-09. Review status: criteria provided, single submitter. Criteria: Invitae Variant Classification Sherloc (09022015). Collection method: clinical testing. Allele origin: germline.
Comment: This sequence change replaces arginine, which is basic and polar, with lysine, which is basic and polar, at codon 372 of the RP1 protein (p.Arg372Lys). This variant is present in population databases (no rsID available, gnomAD 0.007%). This variant has not been reported in the literature in individuals affected with RP1-related conditions. An algorithm developed to predict the effect of missense changes on protein structure and function outputs the following: PolyPhen-2: "Benign". The lysine amino acid residue is found in multiple mammalian species, which suggests that this missense change does not adversely affect protein function. In summary, the available evidence is currently insufficient to determine the role of this variant in disease. Therefore, it has been classified as a Variant of Uncertain Significance.